The following is an entry in ClinVar:

ClinVar aggregate classification (germline): Conflicting classifications of pathogenicity. Review status: criteria provided, conflicting classifications (1 of 4 stars). 4 submissions from 4 submitters: Likely pathogenic (3); Uncertain significance (1). Last evaluated 2026-08-28.

Conditions:
Primary dilated cardiomyopathy (DCM). Also called: Dilated Cardiomyopathy. Identifiers: Orphanet 217604, MedGen C0007193, MeSH D002311, MONDO:0005021, HP:0001644. Inheritance: Various modes of inheritance.
Autosomal recessive limb-girdle muscular dystrophy type 2J (LGMDR10). Also called: Limb-girdle muscular dystrophy, type 2J; MUSCULAR DYSTROPHY, LIMB-GIRDLE, AUTOSOMAL RECESSIVE 10. Identifiers: Orphanet 140922, MedGen C1837342, MONDO:0012127, OMIM 608807.
Dilated cardiomyopathy 1G (CMD1G). Identifiers: Orphanet 154, MedGen C1858763, MONDO:0011400, OMIM 604145.
Cardiovascular phenotype. Identifiers: MedGen CN230736.

Submissions (4):

Molecular Diagnostic Laboratory for Inherited Cardiovascular Disease, Montreal Heart Institute
Classification: Likely pathogenic for Cardiovascular phenotype. Last evaluated: 2026-08-28. Review status: criteria provided, single submitter. Criteria: ACMG Guidelines, 2015. Collection method: clinical testing. Allele origin: germline. Affected: yes.
Comment: PVS1_strong, PS4_supp, PM2

Labcorp Genetics (formerly Invitae), Labcorp
Classification: Likely pathogenic for Dilated cardiomyopathy 1G; Autosomal recessive limb-girdle muscular dystrophy type 2J. Last evaluated: 2025-08-03. Review status: criteria provided, single submitter. Criteria: Invitae Variant Classification Sherloc (09022015). Collection method: clinical testing. Allele origin: germline.
Comment: This sequence change affects an acceptor splice site in intron 307 of the TTN gene. It is expected to disrupt RNA splicing and likely results in a truncated or disrupted TTN protein. This variant is not present in population databases (gnomAD no frequency). Disruption of this splice site has been observed in individual(s) with dilated cardiomyopathy (PMID: 33106378, 37652022). ClinVar contains an entry for this variant (Variation ID: 228302). Algorithms developed to predict the effect of sequence changes on RNA splicing suggest that this variant may disrupt the consensus splice site. This variant is located in the A band of TTN (PMID: 25589632). Truncating variants in this region are significantly overrepresented in patients affected with dilated cardiomyopathy (PMID: 25589632). Truncating variants in this region have also been reported in individuals affected with autosomal recessive centronuclear myopathy (PMID: 23975875). In summary, the currently available evidence indicates that the variant is pathogenic, but additional data are needed to prove that conclusively. Therefore, this variant has been classified as Likely Pathogenic.

Ambry Genetics
Classification: Uncertain significance for Cardiovascular phenotype. Last evaluated: 2024-04-26. Review status: criteria provided, single submitter. Criteria: Ambry Variant Classification Scheme 2023. Collection method: clinical testing. Allele origin: germline.
Comment: The c.36899-2A>G intronic variant results from an A to G substitution two nucleotides upstream from coding exon 135 in the TTN gene. Exon 134 is located in the A-band region of the N2-B isoform of the titin protein and is constitutively expressed in TTN transcripts (percent spliced in or PSI 100%). This alteration has been reported in a dilated cardiomyopathy (DCM) cohort (Vissing CR et al. J Med Genet, 2021 Dec;58:832-841). In silico splice site analysis predicts that this alteration will weaken the native splice acceptor site and will result in the creation or strengthening of a novel splice acceptor site. This alteration disrupts the canonical splice site and is expected to cause aberrant splicing. However, although direct evidence is unavailable, this alteration is predicted to result in an in-frame transcript that is not expected to trigger nonsense-mediated mRNA decay. The exact functional effect of the predicted splice impact is unknown. This nucleotide position is highly conserved in available vertebrate species. Based on the available evidence, the clinical significance of this variant remains unclear.

Laboratory for Molecular Medicine, Mass General Brigham Personalized Medicine
Classification: Likely pathogenic for Primary dilated cardiomyopathy. Last evaluated: 2015-07-16. Review status: criteria provided, single submitter. Criteria: LMM Criteria. Collection method: clinical testing. Allele origin: germline. Inheritance: Autosomal dominant inheritance. Observed: 1 variant allele.
Comment: The c.56390-2A>G variant in TTN has not been previously reported in individuals with cardiomyopathy or in large population studies. This variant occurs in the i nvariant region (+/- 1,2) of the 3' splice consensus sequence and is predicted t o cause altered splicing leading to an abnormal or absent protein. Splicing and other truncating variants in TTN are strongly associated with DCM if they impact the exons encoding for the A-band (Herman 2012, Pugh 2014) and/or an exon that is highly expressed in the heart (Roberts 2015), which is the case for this vari ant. In summary, although additional studies are required to fully establish its clinical significance, the c.56390-2A>G variant is likely pathogenic.

Literature cited by the submitters: PubMed 33106378 (cited by Labcorp Genetics (formerly Invitae), Labcorp and Ambry Genetics); PubMed 37652022 (cited by Labcorp Genetics (formerly Invitae), Labcorp); PubMed 25589632 (cited by Labcorp Genetics (formerly Invitae), Labcorp); PubMed 23975875 (cited by Labcorp Genetics (formerly Invitae), Labcorp).

NM_001267550.2(TTN):c.64094-2A>G

Genes: TTN (titin; minus strand), TTN-AS1 (TTN antisense RNA 1; plus strand). Cytogenetic location: 2q31.2.
Variant type: single nucleotide variant.
Coding change: c.64094-2A>G on transcript NM_001267550.2 (MANE Select); the canonical splice acceptor site of the intron before coding-DNA position 64094, A replaced by G.
Molecular consequence: splice acceptor variant.
Genome position (GRCh38, 1-based): chr2:178,586,809, T>C on the plus strand (A>G on the coding strand, the complement: TTN is on the minus strand). VCF-style: chr2-178586809-T-C. GRCh37 (hg19) VCF-style: chr2-179451536-T-C.
Other names: c.36899-2A>G (NM_003319.4); c.37475-2A>G (NM_133437.4); c.37274-2A>G (NM_133432.3); c.56390-2A>G (NM_133378.4); c.59171-2A>G (NM_001256850.1).
Identifiers: ClinVar variation 228302 (VCV000228302.12), dbSNP rs876657667, ClinGen allele CA10576498.